The following is an entry in ClinVar:

ClinVar aggregate classification (germline): Uncertain significance. Review status: criteria provided, single submitter (1 of 4 stars). 2 submissions from 2 submitters: Uncertain significance (1). 1 of the submissions does not count toward it. Last evaluated 2018-01-01.

Conditions:
Mucopolysaccharidosis type 6 (MPS6). Also called: MPS 6; Maroteaux Lamy syndrome; N-ACETYLGALACTOSAMINE-4-SULFATASE DEFICIENCY; ARSB DEFICIENCY; ARYLSULFATASE B DEFICIENCY; MPS VI. Identifiers: Orphanet 583, MedGen C0026709, MONDO:0009661, OMIM 253200.
Mucopolysaccharidosis, type vi, intermediate. Identifiers: MedGen C4017252.

gnomAD v4.1: 1 of 1,614,158 alleles (0.000062%); highest among the groups gnomAD compares: Non-Finnish European, 0.000085%; no homozygotes.

Submissions (2):

Laboratory of Diagnosis and Therapy of Lysosomal Disorders, University of Padova
Classification: Uncertain significance for Mucopolysaccharidosis type 6. Last evaluated: 2018-01-01. Review status: criteria provided, single submitter. Criteria: ACMG Guidelines, 2015. Collection method: curation. Allele origin: germline. Affected: yes.
Comment: Absent from GnomAD (PM2)

OMIM
Classification: Pathogenic for MUCOPOLYSACCHARIDOSIS, TYPE VI, INTERMEDIATE. Last evaluated: 1991-11-15. Review status: no assertion criteria provided. Collection method: literature only. Allele origin: germline. Not counted in ClinVar's aggregate classification.

Literature cited by the submitters: PubMed 1718978 (cited by Laboratory of Diagnosis and Therapy of Lysosomal Disorders, University of Padova and OMIM); PubMed 30118150 (cited by Laboratory of Diagnosis and Therapy of Lysosomal Disorders, University of Padova).

NM_000046.5(ARSB):c.410G>T (p.Gly137Val)

Gene: ARSB (arylsulfatase B; minus strand). Cytogenetic location: 5q14.1.
Variant type: single nucleotide variant.
Coding change: c.410G>T on transcript NM_000046.5 (MANE Select); coding-DNA position 410, G replaced by T.
Protein change: p.Gly137Val; replaces glycine 137 with valine.
Molecular consequence: missense variant.
Genome position (GRCh38, 1-based): chr5:78,969,095, C>A on the plus strand (G>T on the coding strand, the complement: ARSB is on the minus strand). VCF-style: chr5-78969095-C-A. GRCh37 (hg19) VCF-style: chr5-78264918-C-A.
Other names: c.410G>T, p.Gly137Val (NM_198709.3); short protein forms G137V.
Identifiers: ClinVar variation 877 (VCV000000877.1), dbSNP rs118203938, ClinGen allele CA114600.